The following is an entry in ClinVar:

ClinVar aggregate classification (germline): Conflicting classifications of pathogenicity. Review status: criteria provided, conflicting classifications (1 of 4 stars). 5 submissions from 5 submitters: Likely pathogenic (1); Uncertain significance (4). Last evaluated 2026-04-01.

Conditions:
DIAPH1-related disorder. Also called: DIAPH1-related condition.
Autosomal dominant nonsyndromic hearing loss 1. Also called: DEAFNESS, AUTOSOMAL DOMINANT 1, WITH OR WITHOUT THROMBOCYTOPENIA; KONIGSMARK SYNDROME. Identifiers: Orphanet 90635, MedGen C1852282, MONDO:0007424, OMIM 124900.
Progressive microcephaly-seizures-cortical blindness-developmental delay syndrome. Also called: Seizures, cortical blindness, and microcephaly syndrome. Identifiers: Orphanet 477814, MedGen C5567650, MONDO:0014714, OMIM 616632.

Allele frequency attached by ClinVar (database versions not stated): gnomAD exomes 0.00003 and 0.00005; gnomAD 0.00005 and 0.00006; ExAC 0.00006; TOPMed 0.00006.
gnomAD v4.1: 57 of 1,613,528 alleles (0.0035%); highest among the groups gnomAD compares: Middle Eastern, 0.016%; no homozygotes.

Submissions (5):

GeneDx
Classification: Uncertain significance. Last evaluated: 2026-04-01. Review status: criteria provided, single submitter. Criteria: GeneDx Variant Classification Process June 2021. Collection method: clinical testing. Allele origin: germline.
Comment: Reported in the apparent homozygous state in a patient with multiple congenital anomalies in published literature (PMID: 37823350); of note this patient was found to have a large copy number variant as well as variants in other genes that may explain the phenotype; In silico analysis supports that this missense variant has a deleterious effect on protein structure/function; This variant is associated with the following publications: (PMID: 37823350)

PreventionGenetics, part of Exact Sciences
Classification: Uncertain significance for DIAPH1-related condition. Last evaluated: 2026-03-18. Review status: criteria provided, single submitter. Criteria: ACMG Guidelines, 2015. Collection method: clinical testing. Allele origin: germline.
Comment: The DIAPH1 c.1364G>A variant is predicted to result in the amino acid substitution p.Arg455Gln. To our knowledge, this variant has not been reported in the literature. This variant is reported in 0.0078% of alleles in individuals of European (Non-Finnish) descent in gnomAD. At this time, the clinical significance of this variant is uncertain due to the absence of conclusive functional and genetic evidence.

Labcorp Genetics (formerly Invitae), Labcorp
Classification: Uncertain significance for Progressive microcephaly-seizures-cortical blindness-developmental delay syndrome; Autosomal dominant nonsyndromic hearing loss 1. Last evaluated: 2026-01-26. Review status: criteria provided, single submitter. Criteria: Invitae Variant Classification Sherloc (09022015). Collection method: clinical testing. Allele origin: germline.
Comment: This sequence change replaces arginine, which is basic and polar, with glutamine, which is neutral and polar, at codon 455 of the DIAPH1 protein (p.Arg455Gln). This variant is present in population databases (rs200004048, gnomAD 0.006%). This variant has not been reported in the literature in individuals affected with DIAPH1-related conditions. ClinVar contains an entry for this variant (Variation ID: 163074). Experimental studies and prediction algorithms are not available or were not evaluated, and the functional significance of this variant is currently unknown. In summary, the available evidence is currently insufficient to determine the role of this variant in disease. Therefore, it has been classified as a Variant of Uncertain Significance.

Laboratory of Prof. Karen Avraham, Tel Aviv University
Classification: Likely pathogenic for Autosomal dominant nonsyndromic hearing loss 1. Last evaluated: 2024-05-06. Review status: criteria provided, single submitter. Criteria: ACMG Guidelines, 2015. Collection method: research. Allele origin: germline. Affected: yes. Observed: 1 variant allele.
Comment: The DIAPH1 c.1364G>A:p.(Arg455Gln) variant is predicted deleterious by most prediction programs.

DFNA1; high tone HL, normal-severe

Laboratory for Molecular Medicine, Mass General Brigham Personalized Medicine
Classification: Uncertain significance. Last evaluated: 2014-11-17. Review status: criteria provided, single submitter. Criteria: LMM Criteria. Collection method: clinical testing. Allele origin: germline. Observed: 1 variant allele.
Comment: The p.Arg455Gln variant in DIAPH1 has not been previously reported in individual s with hearing loss, but has been identified in 0.1% (1/1324) by ClinSeq project (dbSNP rs200004048). Although this variant has been seen in the general populat ion, its frequency is not high enough to rule out a pathogenic role. Computation al prediction tools and conservation analysis do not provide strong support for or against an impact to the protein. In summary, the clinical significance of th e p.Arg455Gln variant is uncertain.

NM_005219.5(DIAPH1):c.1364G>A (p.Arg455Gln)

Gene: DIAPH1 (diaphanous related formin 1; minus strand). Cytogenetic location: 5q31.3.
Variant type: single nucleotide variant.
Coding change: c.1364G>A on transcript NM_005219.5 (MANE Select); coding-DNA position 1364, G replaced by A.
Protein change: p.Arg455Gln; replaces arginine 455 with glutamine.
Molecular consequence: missense variant.
Genome position (GRCh38, 1-based): chr5:141,576,788, C>T on the plus strand (G>A on the coding strand, the complement: DIAPH1 is on the minus strand). VCF-style: chr5-141576788-C-T. GRCh37 (hg19) VCF-style: chr5-140956355-C-T.
Other names: c.1337G>A, p.Arg446Gln (NM_001079812.3); c.1364G>A, p.Arg455Gln (NM_001314007.2); short protein forms R455Q, R446Q.
Identifiers: ClinVar variation 163074 (VCV000163074.18), dbSNP rs200004048, ClinGen allele CA175665.